The following is an entry in ClinVar:

NM_006514.4(SCN10A):c.4720G>T (p.Val1574Phe)

Gene: SCN10A (sodium voltage-gated channel alpha subunit 10; minus strand). Cytogenetic location: 3p22.2.
Variant type: single nucleotide variant.
Coding change: c.4720G>T on transcript NM_006514.4 (MANE Select); coding-DNA position 4720, G replaced by T.
Protein change: p.Val1574Phe; replaces valine 1574 with phenylalanine.
Molecular consequence: missense variant.
Genome position (GRCh38, 1-based): chr3:38,698,500, C>A on the plus strand (G>T on the coding strand, the complement: SCN10A is on the minus strand). VCF-style: chr3-38698500-C-A. GRCh37 (hg19) VCF-style: chr3-38739991-C-A.
Other names: c.4717G>T, p.Val1573Phe (NM_001293306.2); c.4426G>T, p.Val1476Phe (NM_001293307.2); short protein forms V1476F, V1573F, V1574F.
Identifiers: ClinVar variation 1742664 (VCV001742664.3), dbSNP rs1293275271, ClinGen allele CA352155863.

ClinVar aggregate classification (germline): Uncertain significance (1 of 4 stars; one submission).

Conditions:
Cardiovascular phenotype. Identifiers: MedGen CN230736.

Allele frequency attached by ClinVar (database versions not stated): gnomAD 0.00001.
gnomAD v4.1: 3 of 1,614,044 alleles (0.00019%); highest among the groups gnomAD compares: Non-Finnish European, 0.00025%; no homozygotes.

Submission:

Ambry Genetics
Classification: Uncertain significance for Cardiovascular phenotype. Last evaluated: 2022-12-18. Review status: criteria provided, single submitter. Criteria: Ambry Variant Classification Scheme 2023. Collection method: clinical testing. Allele origin: germline.
Comment: The p.V1574F variant (also known as c.4720G>T), located in coding exon 27 of the SCN10A gene, results from a G to T substitution at nucleotide position 4720. The valine at codon 1574 is replaced by phenylalanine, an amino acid with highly similar properties. This amino acid position is highly conserved in available vertebrate species. In addition, this alteration is predicted to be deleterious by in silico analysis. Since supporting evidence is limited at this time, the clinical significance of this alteration remains unclear.